The following is an entry in ClinVar:

ClinVar aggregate classification (germline): Benign/Likely benign. Review status: criteria provided, multiple submitters, no conflicts (2 of 4 stars). 4 submissions from 4 submitters: Benign (1); Likely benign (3). Last evaluated 2026-02-01.

Conditions:
Familial adenomatous polyposis 1 (FAP1). Also called: FAMILIAL ADENOMATOUS POLYPOSIS 1, ATTENUATED; POLYPOSIS, ADENOMATOUS INTESTINAL. Identifiers: MedGen C2713442, MONDO:0021056, OMIM 175100. Disease mechanism: loss of function.
Hereditary cancer-predisposing syndrome. Also called: Hereditary Cancer Syndrome; Tumor predisposition; Hereditary neoplastic syndrome; Neoplastic Syndromes, Hereditary. Identifiers: Orphanet 140162, MedGen C0027672, MeSH D009386, MONDO:0015356.

Allele frequency attached by ClinVar (database versions not stated): gnomAD exomes below 0.00001; TOPMed below 0.00001.
gnomAD v4.1: 1 of 1,614,222 alleles (0.000062%); highest among the groups gnomAD compares: African/African-American, 0.0013%; no homozygotes.

Submissions (4):

CeGaT Center for Human Genetics Tuebingen
Classification: Likely benign. Last evaluated: 2026-02-01. Review status: criteria provided, single submitter. Criteria: CeGaT Center For Human Genetics Tuebingen Variant Classification Criteria Version 2. Collection method: clinical testing. Allele origin: germline. Affected: yes. Observed: 1 variant allele.
Comment: APC: BP4, BP7

Ambry Genetics
Classification: Likely benign for Hereditary cancer-predisposing syndrome. Last evaluated: 2024-12-08. Review status: criteria provided, single submitter. Criteria: Ambry Variant Classification Scheme 2023. Collection method: clinical testing. Allele origin: germline.

Labcorp Genetics (formerly Invitae), Labcorp
Classification: Likely benign for Familial adenomatous polyposis 1. Last evaluated: 2024-05-07. Review status: criteria provided, single submitter. Criteria: Invitae Variant Classification Sherloc (09022015). Collection method: clinical testing. Allele origin: germline.

Myriad Genetics, Inc.
Classification: Benign for Familial adenomatous polyposis 1. Last evaluated: 2024-03-18. Review status: criteria provided, single submitter. Criteria: Myriad Autosomal Dominant, Autosomal Recessive and X-Linked Classification Criteria (2023). Collection method: clinical testing. Allele origin: unknown.
Comment: This variant is considered benign. This variant is a silent/synonymous amino acid change and it is not expected to impact splicing.

NM_000038.6(APC):c.3072A>G (p.Pro1024=)

Gene: APC (APC regulator of Wnt signaling pathway; plus strand). Cytogenetic location: 5q22.2.
Variant type: single nucleotide variant.
Coding change: c.3072A>G on transcript NM_000038.6 (MANE Select); coding-DNA position 3072, A replaced by G.
Protein change: p.Pro1024=; no amino-acid change (proline 1024 retained).
Molecular consequence: synonymous variant.
Genome position (GRCh38, 1-based): chr5:112,838,666, A>G. VCF-style: chr5-112838666-A-G. GRCh37 (hg19) VCF-style: chr5-112174363-A-G.
Other names: c.3072A>G, p.Pro1024= (NM_001127510.3, NM_001354895.2); c.3018A>G, p.Pro1006= (NM_001127511.3); c.3126A>G, p.Pro1042= (NM_001354896.2); c.3102A>G, p.Pro1034= (NM_001354897.2); c.2997A>G, p.Pro999= (NM_001354898.2); c.2988A>G, p.Pro996= (NM_001354899.2); c.2949A>G, p.Pro983= (NM_001354900.2); c.2895A>G, p.Pro965= (NM_001354901.2); and 5 more.
Identifiers: ClinVar variation 752259 (VCV000752259.15), dbSNP rs1580630557, ClinGen allele CA445963158.
Genomic context (GRCh38, chr5:112,838,666, plus strand): 5'-AGCCCATAAAATACATAGTGCAAATCATATGGATGATAATGATGGAGAACTAGATACACC[A>G]ATAAATTATAGTCTTAAATATTCAGATGAGCAGTTGAACTCTGGAAGGCAAAGTCCTTCA-3'
Protein context (NP_000029.2, residues 1014-1034): MDDNDGELDT[Pro1024=]INYSLKYSDE